The following is an entry in ClinVar:

NM_004563.4(PCK2):c.1469-6C>G

Genes: NRL (neural retina leucine zipper; minus strand), PCK2 (phosphoenolpyruvate carboxykinase 2, mitochondrial; plus strand). Cytogenetic location: 14q12.
Variant type: single nucleotide variant.
Coding change: c.1469-6C>G on transcript NM_004563.4 (MANE Select); 6 bases into the intron before coding-DNA position 1469, C replaced by G.
Molecular consequence: intron variant.
Genome position (GRCh38, 1-based): chr14:24,103,504, C>G. VCF-style: chr14-24103504-C-G. GRCh37 (hg19) VCF-style: chr14-24572713-C-G.
Other names: c.-28+11218G>C (NM_001354768.3, NM_001354770.2); c.-254+11218G>C (NM_006177.5); c.1067-6C>G (NM_001308054.2, NM_001291556.2).
Identifiers: ClinVar variation 2696535 (VCV002696535.6), dbSNP rs371173730, ClinGen allele CA7123530.

ClinVar aggregate classification (germline): Likely benign. Review status: criteria provided, single submitter (1 of 4 stars). 2 submissions from 2 submitters: Likely benign (1). 1 of the submissions does not count toward it. Last evaluated 2025-08-18.

Conditions:
PCK2-related disorder. Also called: PCK2-related condition.

Allele frequency attached by ClinVar (database versions not stated): gnomAD 0.00007; TOPMed 0.00009; ESP Exome Variant Server 0.00015.
gnomAD v4.1: 119 of 1,541,708 alleles (0.0077%); highest among the groups gnomAD compares: Non-Finnish European, 0.01%; no homozygotes.

Submissions (3):

Labcorp Genetics (formerly Invitae), Labcorp
Classification: Likely benign. Last evaluated: 2025-08-18. Review status: criteria provided, single submitter. Criteria: Invitae Variant Classification Sherloc (09022015). Collection method: clinical testing. Allele origin: germline.

PreventionGenetics, part of Exact Sciences
Classification: Likely benign for PCK2-related condition. Last evaluated: 2024-01-18. Review status: no assertion criteria provided. Collection method: clinical testing. Allele origin: germline. Not counted in ClinVar's aggregate classification.
Comment: This variant is classified as likely benign based on ACMG/AMP sequence variant interpretation guidelines (Richards et al. 2015 PMID: 25741868, with internal and published modifications).

Dr. Peter K. Rogan Lab, Western University
No classification provided (evidence only). Condition: Lung cancer. Review status: no classification provided. Collection method: in vitro. Allele origin: not applicable. Functional consequence: retained intron. Not counted in ClinVar's aggregate classification.